The following is an entry in ClinVar:

ClinVar aggregate classification (germline): Likely benign (0 of 4 stars; one submission).

Conditions:
TEX15-related disorder. Also called: TEX15-related condition.

Allele frequency attached by ClinVar (database versions not stated): ExAC 0.00018; ESP Exome Variant Server 0.00054; 1000 Genomes Project 0.00060; 1000 Genomes Project 30x 0.00062; gnomAD 0.00083; TOPMed 0.00093.
gnomAD v4.1: 274 of 1,611,932 alleles (0.017%); highest among the groups gnomAD compares: African/African-American, 0.31%; 1 homozygote.

Submission:

PreventionGenetics, part of Exact Sciences
Classification: Likely benign for TEX15-related condition. Last evaluated: 2019-03-06. Review status: no assertion criteria provided. Collection method: clinical testing. Allele origin: germline.
Comment: This variant is classified as likely benign based on ACMG/AMP sequence variant interpretation guidelines (Richards et al. 2015 PMID: 25741868, with internal and published modifications).

NM_001350162.2(TEX15):c.6117A>G (p.Glu2039=)

Gene: TEX15 (testis expressed 15, meiosis and synapsis associated; minus strand). Cytogenetic location: 8p12.
Variant type: single nucleotide variant.
Coding change: c.6117A>G on transcript NM_001350162.2 (MANE Select); coding-DNA position 6117, A replaced by G.
Protein change: p.Glu2039=; no amino-acid change (glutamic acid 2039 retained).
Molecular consequence: synonymous variant.
Genome position (GRCh38, 1-based): chr8:30,844,050, T>C on the plus strand (A>G on the coding strand, the complement: TEX15 is on the minus strand). VCF-style: chr8-30844050-T-C. GRCh37 (hg19) VCF-style: chr8-30701566-T-C.
Other names: c.4968A>G, p.Glu1656= (NM_031271.3).
Identifiers: ClinVar variation 3057695 (VCV003057695.2), dbSNP rs148431565, ClinGen allele CA4702721.